The following is an entry in ClinVar:

ClinVar aggregate classification (germline): Uncertain significance (1 of 4 stars; one submission).

Submission:

Labcorp Genetics (formerly Invitae), Labcorp
Classification: Uncertain significance. Last evaluated: 2025-08-15. Review status: criteria provided, single submitter. Criteria: Invitae Variant Classification Sherloc (09022015). Collection method: clinical testing. Allele origin: germline.
Comment: This sequence change replaces aspartic acid, which is acidic and polar, with valine, which is neutral and non-polar, at codon 306 of the VPS13A protein (p.Asp306Val). This variant is not present in population databases (gnomAD no frequency). This variant has not been reported in the literature in individuals affected with VPS13A-related conditions. Invitae Evidence Modeling of protein sequence and biophysical properties (such as structural, functional, and spatial information, amino acid conservation, physicochemical variation, residue mobility, and thermodynamic stability) has been performed for this missense variant. However, the output from this modeling did not meet the statistical confidence thresholds required to predict the impact of this variant on VPS13A protein function. In summary, the available evidence is currently insufficient to determine the role of this variant in disease. Therefore, it has been classified as a Variant of Uncertain Significance.

NM_033305.3(VPS13A):c.917A>T (p.Asp306Val)

Gene: VPS13A (vacuolar protein sorting 13 homolog A; plus strand). Cytogenetic location: 9q21.2.
Variant type: single nucleotide variant.
Coding change: c.917A>T on transcript NM_033305.3 (MANE Select); coding-DNA position 917, A replaced by T.
Protein change: p.Asp306Val; replaces aspartic acid 306 with valine.
Molecular consequence: missense variant.
Genome position (GRCh38, 1-based): chr9:77,220,311, A>T. VCF-style: chr9-77220311-A-T. GRCh37 (hg19) VCF-style: chr9-79835227-A-T.
Other names: c.917A>T, p.Asp306Val (NM_001018037.2, NM_001018038.3, NM_015186.4); short protein forms D306V.
Identifiers: ClinVar variation 4742617 (VCV004742617.1).
Genomic context (GRCh38, chr9:77,220,311, plus strand): 5'-AAGAGCTTTAATTTTCCATTCTTTAGTATTTCAGTATTATGGAGCTTCTTGAATCAGTTG[A>T]TATGATGGCACAAAATCTGCCATATAGGAAGTTCAAACCTGATGTGCCTCTTCACCACCA-3'
Protein context (NP_150648.2, residues 296-316): FSIMELLESV[Asp306Val]MMAQNLPYRK